The following is an entry in ClinVar:

ClinVar aggregate classification (germline): Pathogenic (1 of 4 stars; one submission).

Conditions:
Diamond-Blackfan anemia. Also called: Blackfan Diamond syndrome; Aregenerative anemia chronic congenital; Red cell aplasia, pure hereditary; Congenital hypoplastic anemia; Aase syndrome. Identifiers: Orphanet 124, MedGen C1260899, MeSH D029503, MONDO:0015253, HP:0004810.
GATA binding protein 1 related thrombocytopenia with dyserythropoiesis. Also called: GATA1-Related X-Linked Cytopenia; GATA1-Related Cytopenia. Identifiers: MedGen C1845837, MONDO:0100089.

Submission:

Labcorp Genetics (formerly Invitae), Labcorp
Classification: Pathogenic for GATA binding protein 1 related thrombocytopenia with dyserythropoiesis; Diamond-Blackfan anemia. Last evaluated: 2022-03-13. Review status: criteria provided, single submitter. Criteria: Invitae Variant Classification Sherloc (09022015). Collection method: clinical testing. Allele origin: germline.
Comment: This sequence change creates a premature translational stop signal (p.Leu41Cysfs*12) in the GATA1 gene. It is expected to result in an absent or disrupted protein product. Loss-of-function variants in GATA1 are known to be pathogenic (PMID: 16783379, 22706301, 23704091, 24453067). This variant is not present in population databases (gnomAD no frequency). This variant has not been reported in the literature in individuals affected with GATA1-related conditions. For these reasons, this variant has been classified as Pathogenic.

Literature cited by the submitters: PubMed 16783379; PubMed 22706301; PubMed 23704091; PubMed 24453067.

NM_002049.4(GATA1):c.122_165del (p.Leu41fs)

Gene: GATA1 (GATA binding protein 1; plus strand). Cytogenetic location: Xp11.23.
Variant type: Deletion.
Coding change: c.122_165del on transcript NM_002049.4 (MANE Select); coding-DNA positions 122 to 165, 44 bases deleted.
Protein change: p.Leu41fs; shifts the reading frame from leucine 41.
Molecular consequence: frameshift variant.
Genome position (GRCh38, 1-based): chrX:48,791,231-48,791,274, 44 bases deleted; deleting any 44 consecutive bases within chrX:48,791,228-48,791,274 gives the same sequence; the c. name uses the placement nearest the transcript's 3' end. GRCh37 (hg19): chrX:48,649,638-48,649,681.
Other names: short protein forms L41fs.
Identifiers: ClinVar variation 2111449 (VCV002111449.4), dbSNP rs2519343724, ClinGen allele CA2580101048.